The following is an entry in ClinVar:

ClinVar aggregate classification (germline): Uncertain significance (1 of 4 stars; one submission).

Submission:

Women's Health and Genetics/Laboratory Corporation of America, LabCorp
Classification: Uncertain significance. Last evaluated: 2023-03-21. Review status: criteria provided, single submitter. Criteria: LabCorp Variant Classification Summary - May 2015. Collection method: clinical testing. Allele origin: germline.
Comment: Variant summary: BRCA1 c.3319G>A (p.Glu1107Lys) results in a conservative amino acid change in the encoded protein sequence. Five of five in-silico tools predict a benign effect of the variant on protein function. The variant was absent in 250156 control chromosomes. The available data on variant occurrences in the general population are insufficient to allow any conclusion about variant significance. To our knowledge, no occurrence of c.3319G>A in individuals affected with Hereditary Breast And Ovarian Cancer Syndrome and no experimental evidence demonstrating its impact on protein function have been reported. No clinical diagnostic laboratories have submitted clinical-significance assessments for this variant to ClinVar after 2014. Based on the evidence outlined above, the variant was classified as uncertain significance.

NM_007294.4(BRCA1):c.3319G>A (p.Glu1107Lys)

Genes: BRCA1 (BRCA1 DNA repair associated; minus strand), LOC126862571 (BRD4-independent group 4 enhancer GRCh37_chr17:41243136-41244335; plus strand). Cytogenetic location: 17q21.31.
Variant type: single nucleotide variant.
Coding change: c.3319G>A on transcript NM_007294.4 (MANE Select); coding-DNA position 3319, G replaced by A.
Protein change: p.Glu1107Lys; replaces glutamic acid 1107 with lysine.
Molecular consequence: missense variant. On other transcripts: intron variant (137).
Genome position (GRCh38, 1-based): chr17:43,092,212, C>T on the plus strand (G>A on the coding strand, the complement: BRCA1 is on the minus strand). VCF-style: chr17-43092212-C-T. GRCh37 (hg19) VCF-style: chr17-41244229-C-T.
Other names: c.3178G>A, p.Glu1060Lys (NM_001407727.1, NM_001407728.1, NM_001407729.1 and 29 more transcripts); c.3175G>A, p.Glu1059Lys (NM_001407740.1, NM_001407741.1, NM_001407742.1 and 20 more transcripts); c.3106G>A, p.Glu1036Lys (NM_001407853.1, NM_001407894.1, NM_001407895.1 and 9 more transcripts); c.3319G>A, p.Glu1107Lys (NM_001407854.1, NM_001407858.1, NM_001407859.1 and 30 more transcripts); c.3316G>A, p.Glu1106Lys (NM_001407860.1, NM_001407861.1, NM_001407587.1 and 22 more transcripts); c.3118G>A, p.Glu1040Lys (NM_001407862.1); c.3196G>A, p.Glu1066Lys (NM_001407863.1, NM_001407919.1, NM_001407937.1 and 19 more transcripts); c.3115G>A, p.Glu1039Lys (NM_001407874.1, NM_001407875.1); and 41 more; short protein forms E1018K, E1019K, E1036K, E1037K, E1039K, E1040K, E1059K, E1060K.
Identifiers: ClinVar variation 2501191 (VCV002501191.1), dbSNP rs80357106, ClinGen allele CA10595348.